The following is an entry in ClinVar:

NM_014653.4(WSCD2):c.720C>G (p.Pro240=)

Gene: WSCD2 (WSC domain sialate O sulfotransferase 2; plus strand). Cytogenetic location: 12q23.3.
Variant type: single nucleotide variant.
Coding change: c.720C>G on transcript NM_014653.4 (MANE Select); coding-DNA position 720, C replaced by G.
Protein change: p.Pro240=; no amino-acid change (proline 240 retained).
Molecular consequence: synonymous variant.
Genome position (GRCh38, 1-based): chr12:108,224,776, C>G. VCF-style: chr12-108224776-C-G. GRCh37 (hg19) VCF-style: chr12-108618553-C-G.
Other names: c.720C>G, p.Pro240= (NM_001304447.2).
Identifiers: ClinVar variation 2643264 (VCV002643264.24), dbSNP rs199888315, ClinGen allele CA6766820.

ClinVar aggregate classification (germline): Likely benign (1 of 4 stars; one submission).

Allele frequency attached by ClinVar (database versions not stated): 1000 Genomes Project 0.00100; 1000 Genomes Project 30x 0.00109; ESP Exome Variant Server 0.00149.

Submission:

CeGaT Center for Human Genetics Tuebingen
Classification: Likely benign. Last evaluated: 2023-03-01. Review status: criteria provided, single submitter. Criteria: CeGaT Center For Human Genetics Tuebingen Variant Classification Criteria Version 2. Collection method: clinical testing. Allele origin: germline. Affected: yes. Observed: 1 variant allele.
Comment: WSCD2: BP4, BP7